The following is an entry in ClinVar:

ClinVar aggregate classification (germline): Uncertain significance. Review status: criteria provided, multiple submitters, no conflicts (2 of 4 stars). 2 submissions from 2 submitters: Uncertain significance (2). Last evaluated 2022-04-20.

Conditions:
Brody myopathy. Also called: BRODY DISEASE. Identifiers: Orphanet 53347, MedGen C1832918, MONDO:0010977, OMIM 601003.

Allele frequency attached by ClinVar (database versions not stated): gnomAD exomes below 0.00001; ExAC 0.00001; TOPMed 0.00001.
gnomAD v4.1: 3 of 1,614,114 alleles (0.00019%); highest among the groups gnomAD compares: Non-Finnish European, 0.00025%; no homozygotes.

Submissions (2):

Revvity Omics, Revvity
Classification: Uncertain significance for Brody myopathy. Last evaluated: 2022-04-20. Review status: criteria provided, single submitter. Criteria: ACMG Guidelines, 2015. Collection method: clinical testing. Allele origin: germline.

GeneDx
Classification: Uncertain significance. Last evaluated: 2017-05-11. Review status: criteria provided, single submitter. Criteria: GeneDx Variant Classification (06012015). Collection method: clinical testing. Allele origin: germline. Affected: yes.
Comment: The E231K variant in the ATP2A1 gene has not been reported previously as a pathogenic variant, nor as a benign variant, to our knowledge. The E231K variant is not observed at a significant frequency in large population cohorts (Lek et al., 2016; 1000 Genomes Consortium et al., 2015; Exome Variant Server). The E231K variant is a non-conservative amino acid substitution, which is likely to impact secondary protein structure as these residues differ in polarity, charge, size and/or other properties. This substitution occurs at a position that is not conserved. In silico analysis predicts this variant is probably damaging to the protein structure/function. We interpret E231K as a variant of uncertain significance.

NM_004320.6(ATP2A1):c.691G>A (p.Glu231Lys)

Gene: ATP2A1 (ATPase sarcoplasmic/endoplasmic reticulum Ca2+ transporting 1; plus strand). Cytogenetic location: 16p11.2.
Variant type: single nucleotide variant.
Coding change: c.691G>A on transcript NM_004320.6 (MANE Select); coding-DNA position 691, G replaced by A.
Protein change: p.Glu231Lys; replaces glutamic acid 231 with lysine.
Molecular consequence: missense variant.
Genome position (GRCh38, 1-based): chr16:28,887,485, G>A. VCF-style: chr16-28887485-G-A. GRCh37 (hg19) VCF-style: chr16-28898806-G-A.
Other names: c.316G>A, p.Glu106Lys (NM_001286075.2); c.691G>A, p.Glu231Lys (NM_173201.5); c.691G>A (NM_173201.4); short protein forms E231K, E106K.
Identifiers: ClinVar variation 430333 (VCV000430333.5), dbSNP rs778514898, ClinGen allele CA7986750.